The following is an entry in ClinVar:

NM_022124.6(CDH23):c.618C>T (p.Asn206=)

Gene: CDH23 (cadherin related 23; plus strand). Cytogenetic location: 10q22.1.
Variant type: single nucleotide variant.
Coding change: c.618C>T on transcript NM_022124.6 (MANE Select); coding-DNA position 618, C replaced by T.
Protein change: p.Asn206=; no amino-acid change (asparagine 206 retained).
Molecular consequence: synonymous variant.
Genome position (GRCh38, 1-based): chr10:71,566,930, C>T. VCF-style: chr10-71566930-C-T. GRCh37 (hg19) VCF-style: chr10-73326687-C-T.
Other names: c.618C>T, p.Asn206= (NM_001171930.2, NM_001171931.2, NM_001171932.2 and 1 more transcripts).
Identifiers: ClinVar variation 46004 (VCV000046004.14), dbSNP rs397517348, ClinGen allele CA137523.

ClinVar aggregate classification (germline): Likely benign. Review status: criteria provided, multiple submitters, no conflicts (2 of 4 stars). 2 submissions from 2 submitters: Likely benign (2). Last evaluated 2025-03-10.

Allele frequency attached by ClinVar (database versions not stated): gnomAD 0.00001; TOPMed 0.00001.
gnomAD v4.1: 31 of 1,611,920 alleles (0.0019%); highest among the groups gnomAD compares: East Asian, 0.0045%; no homozygotes.

Submissions (2):

Labcorp Genetics (formerly Invitae), Labcorp
Classification: Likely benign. Last evaluated: 2025-03-10. Review status: criteria provided, single submitter. Criteria: Invitae Variant Classification Sherloc (09022015). Collection method: clinical testing. Allele origin: germline.

Laboratory for Molecular Medicine, Mass General Brigham Personalized Medicine
Classification: Likely benign. Last evaluated: 2011-03-08. Review status: criteria provided, single submitter. Criteria: LMM Criteria. Collection method: clinical testing. Allele origin: germline. Observed: 1 variant allele.
Comment: Asn206Asn in exon 7 of CDH23: This variant is not expected to have clinical sign ificance because it does not alter an amino acid residue and is not located near a splice junction.